The following is an entry in ClinVar:

NM_198271.5(LMOD3):c.1332G>T (p.Gln444His)

Gene: LMOD3 (leiomodin 3; minus strand). Cytogenetic location: 3p14.1.
Variant type: single nucleotide variant.
Coding change: c.1332G>T on transcript NM_198271.5 (MANE Select); coding-DNA position 1332, G replaced by T.
Protein change: p.Gln444His; replaces glutamine 444 with histidine.
Molecular consequence: missense variant.
Genome position (GRCh38, 1-based): chr3:69,119,023, C>A on the plus strand (G>T on the coding strand, the complement: LMOD3 is on the minus strand). VCF-style: chr3-69119023-C-A. GRCh37 (hg19) VCF-style: chr3-69168174-C-A.
Other names: c.1332G>T, p.Gln444His (NM_001304418.3); short protein forms Q444H.
Identifiers: ClinVar variation 643658 (VCV000643658.5), dbSNP rs765589286, ClinGen allele CA353471318.
Genomic context (GRCh38, chr3:69,119,023, plus strand): 5'-TTGACTAAAGGGGACATTTTGGGGGTTGGGAGGCCGAGGTGGCGGTGGCTGGAAGAATTC[C>A]TGCATTCTGGAATCTGGCTTGGGTCCTCCCAACAGCTCCCACATCCCAGGGGGCAGCCCC-3'
Protein context (NP_938012.2, residues 434-454): LGGPKPDSRM[Gln444His]EFFQPPPPRP

ClinVar aggregate classification (germline): Uncertain significance (1 of 4 stars; one submission).

Conditions:
Nemaline myopathy 10 (NEM10). Identifiers: MedGen C4015360, MONDO:0014513, OMIM 616165.

gnomAD v4.1: 1 of 1,613,596 alleles (0.000062%); highest among the groups gnomAD compares: Non-Finnish European, 0.000085%; no homozygotes.

Submission:

Labcorp Genetics (formerly Invitae), Labcorp
Classification: Uncertain significance for Nemaline myopathy 10. Last evaluated: 2018-08-14. Review status: criteria provided, single submitter. Criteria: Invitae Variant Classification Sherloc (09022015). Collection method: clinical testing. Allele origin: germline.
Comment: This sequence change replaces glutamine with histidine at codon 444 of the LMOD3 protein (p.Gln444His). The glutamine residue is highly conserved and there is a small physicochemical difference between glutamine and histidine. This variant is not present in population databases (ExAC no frequency). This variant has not been reported in the literature in individuals with LMOD3-related disease. Algorithms developed to predict the effect of missense changes on protein structure and function output the following: SIFT: "Deleterious"; PolyPhen-2: "Benign"; Align-GVGD: "Class C0". The histidine amino acid residue is found in multiple mammalian species, suggesting that this missense change does not adversely affect protein function. These predictions have not been confirmed by published functional studies and their clinical significance is uncertain. In summary, the available evidence is currently insufficient to determine the role of this variant in disease. Therefore, it has been classified as a Variant of Uncertain Significance.